The following is an entry in ClinVar:

NM_000038.6(APC):c.8426T>C (p.Val2809Ala)

Gene: APC (APC regulator of Wnt signaling pathway; plus strand). Cytogenetic location: 5q22.2.
Variant type: single nucleotide variant.
Coding change: c.8426T>C on transcript NM_000038.6 (MANE Select); coding-DNA position 8426, T replaced by C.
Protein change: p.Val2809Ala; replaces valine 2809 with alanine.
Molecular consequence: missense variant. On other transcripts: non-coding transcript variant (2).
Genome position (GRCh38, 1-based): chr5:112,844,020, T>C. VCF-style: chr5-112844020-T-C. GRCh37 (hg19) VCF-style: chr5-112179717-T-C.
Other names: c.8426T>C, p.Val2809Ala (NM_001127510.3, NM_001354895.2, NM_001407450.1); c.8372T>C, p.Val2791Ala (NM_001127511.3); c.8480T>C, p.Val2827Ala (NM_001354896.2, NM_001407447.1, NM_001407448.1 and 1 more transcripts); c.8456T>C, p.Val2819Ala (NM_001354897.2); c.8351T>C, p.Val2784Ala (NM_001354898.2); c.8342T>C, p.Val2781Ala (NM_001354899.2); c.8303T>C, p.Val2768Ala (NM_001354900.2); c.8249T>C, p.Val2750Ala (NM_001354901.2, NM_001407453.1); and 11 more; short protein forms V2649A, V2784A, V2791A, V2708A, V2726A, V2750A, V2809A, V2837A.
Identifiers: ClinVar variation 2836915 (VCV002836915.3), dbSNP rs2150005142, ClinGen allele CA16039612.
Genomic context (GRCh38, chr5:112,844,020, plus strand): 5'-GCCCTAGGAAAAGCAGCGCAGATAGCACTTCAGCTCGGCCATCTCAGATCCCAACTCCAG[T>C]GAATAACAACACAAAGAAGCGAGATTCCAAAACTGACAGCACAGAATCCAGTGGAACCCA-3'
Protein context (NP_000029.2, residues 2799-2819): SARPSQIPTP[Val2809Ala]NNNTKKRDSK

ClinVar aggregate classification (germline): Uncertain significance (1 of 4 stars; one submission).

Conditions:
Familial adenomatous polyposis 1 (FAP1). Also called: POLYPOSIS, ADENOMATOUS INTESTINAL; FAMILIAL ADENOMATOUS POLYPOSIS 1, ATTENUATED. Identifiers: MedGen C2713442, MONDO:0021056, OMIM 175100. Disease mechanism: loss of function.

Submission:

Labcorp Genetics (formerly Invitae), Labcorp
Classification: Uncertain significance for Familial adenomatous polyposis 1. Last evaluated: 2023-02-14. Review status: criteria provided, single submitter. Criteria: Invitae Variant Classification Sherloc (09022015). Collection method: clinical testing. Allele origin: germline.
Comment: In summary, the available evidence is currently insufficient to determine the role of this variant in disease. Therefore, it has been classified as a Variant of Uncertain Significance. Advanced modeling of protein sequence and biophysical properties (such as structural, functional, and spatial information, amino acid conservation, physicochemical variation, residue mobility, and thermodynamic stability) performed at Invitae indicates that this missense variant is not expected to disrupt APC protein function. This variant has not been reported in the literature in individuals affected with APC-related conditions. This variant is not present in population databases (gnomAD no frequency). This sequence change replaces valine, which is neutral and non-polar, with alanine, which is neutral and non-polar, at codon 2809 of the APC protein (p.Val2809Ala).